The following is an entry in ClinVar:

ClinVar aggregate classification (germline): Uncertain significance. Review status: criteria provided, multiple submitters, no conflicts (2 of 4 stars). 2 submissions from 2 submitters: Uncertain significance (2). Last evaluated 2025-03-18.

Conditions:
Left-right axis malformations. Identifiers: MedGen C1866091.

Allele frequency attached by ClinVar (database versions not stated): ESP Exome Variant Server 0.00008; gnomAD 0.00008; TOPMed 0.00008; gnomAD exomes 0.00014; ExAC 0.00050.

Submissions (2):

Ambry Genetics
Classification: Uncertain significance. Last evaluated: 2025-03-18. Review status: criteria provided, single submitter. Criteria: Ambry Variant Classification Scheme 2023. Collection method: clinical testing. Allele origin: germline.

Labcorp Genetics (formerly Invitae), Labcorp
Classification: Uncertain significance for Left-right axis malformations. Last evaluated: 2024-11-12. Review status: criteria provided, single submitter. Criteria: Invitae Variant Classification Sherloc (09022015). Collection method: clinical testing. Allele origin: germline.
Comment: This sequence change replaces arginine, which is basic and polar, with tryptophan, which is neutral and slightly polar, at codon 33 of the LEFTY2 protein (p.Arg33Trp). This variant is present in population databases (rs138096911, gnomAD 0.05%), and has an allele count higher than expected for a pathogenic variant. This variant has not been reported in the literature in individuals affected with LEFTY2-related conditions. ClinVar contains an entry for this variant (Variation ID: 2266562). Invitae Evidence Modeling of protein sequence and biophysical properties (such as structural, functional, and spatial information, amino acid conservation, physicochemical variation, residue mobility, and thermodynamic stability) indicates that this missense variant is expected to disrupt LEFTY2 protein function with a positive predictive value of 80%. In summary, the available evidence is currently insufficient to determine the role of this variant in disease. Therefore, it has been classified as a Variant of Uncertain Significance.

NM_003240.5(LEFTY2):c.97C>T (p.Arg33Trp)

Gene: LEFTY2 (left-right determination factor 2; minus strand). Cytogenetic location: 1q42.12.
Variant type: single nucleotide variant.
Coding change: c.97C>T on transcript NM_003240.5 (MANE Select); coding-DNA position 97, C replaced by T.
Protein change: p.Arg33Trp; replaces arginine 33 with tryptophan.
Molecular consequence: missense variant.
Genome position (GRCh38, 1-based): chr1:225,941,044, G>A on the plus strand (C>T on the coding strand, the complement: LEFTY2 is on the minus strand). VCF-style: chr1-225941044-G-A. GRCh37 (hg19) VCF-style: chr1-226128744-G-A.
Other names: c.97C>T, p.Arg33Trp (NM_001172425.3); short protein forms R33W.
Identifiers: ClinVar variation 2266562 (VCV002266562.5), dbSNP rs138096911, ClinGen allele CA1420703.